The following is an entry in ClinVar:

NM_018052.5(VAC14):c.2209A>G (p.Lys737Glu)

Gene: VAC14 (VAC14 component of PIKFYVE complex; minus strand). Cytogenetic location: 16q22.1.
Variant type: single nucleotide variant.
Coding change: c.2209A>G on transcript NM_018052.5 (MANE Select); coding-DNA position 2209, A replaced by G.
Protein change: p.Lys737Glu; replaces lysine 737 with glutamic acid.
Molecular consequence: missense variant.
Genome position (GRCh38, 1-based): chr16:70,688,068, T>C on the plus strand (A>G on the coding strand, the complement: VAC14 is on the minus strand). VCF-style: chr16-70688068-T-C. GRCh37 (hg19) VCF-style: chr16-70721971-T-C.
Other names: c.2209A>G (NM_018052.3); c.1507A>G, p.Lys503Glu (NM_001351157.2); short protein forms K503E, K737E.
Identifiers: ClinVar variation 2125313 (VCV002125313.5), dbSNP rs909230639, ClinGen allele CA283474243.
Genomic context (GRCh38, chr16:70,688,068, plus strand): 5'-TCTCAAAGTGCTGCAGCAGCTCTGCGTAGTCGATGCTAGGGGAGTCAGCTTTCTGGGACT[T>C]GGGGGCTGCCTTTAGACTGTCTCTGGGAAGAGGGAGCAGAAATGCTCAGTGTCAGGGATC-3'
Protein context (NP_060522.3, residues 727-747): QTEDSLKAAP[Lys737Glu]SQKADSPSID

ClinVar aggregate classification (germline): Uncertain significance. Review status: criteria provided, multiple submitters, no conflicts (2 of 4 stars). 2 submissions from 2 submitters: Uncertain significance (2). Last evaluated 2023-09-15.

Conditions:
Inborn genetic diseases. Identifiers: MedGen C0950123, MeSH D030342.

Submissions (2):

Ambry Genetics
Classification: Uncertain significance for Inborn genetic diseases. Last evaluated: 2023-09-15. Review status: criteria provided, single submitter. Criteria: Ambry Variant Classification Scheme 2023. Collection method: clinical testing. Allele origin: germline.

Labcorp Genetics (formerly Invitae), Labcorp
Classification: Uncertain significance. Last evaluated: 2022-05-08. Review status: criteria provided, single submitter. Criteria: Invitae Variant Classification Sherloc (09022015). Collection method: clinical testing. Allele origin: germline.
Comment: In summary, the available evidence is currently insufficient to determine the role of this variant in disease. Therefore, it has been classified as a Variant of Uncertain Significance. Algorithms developed to predict the effect of missense changes on protein structure and function (SIFT, PolyPhen-2, Align-GVGD) all suggest that this variant is likely to be tolerated. This variant has not been reported in the literature in individuals affected with VAC14-related conditions. This variant is not present in population databases (gnomAD no frequency). This sequence change replaces lysine, which is basic and polar, with glutamic acid, which is acidic and polar, at codon 737 of the VAC14 protein (p.Lys737Glu).